The following is an entry in ClinVar:

NM_000036.3(AMPD1):c.643G>A (p.Val215Ile)

Gene: AMPD1 (adenosine monophosphate deaminase 1; minus strand). Cytogenetic location: 1p13.2.
Variant type: single nucleotide variant.
Coding change: c.643G>A on transcript NM_000036.3 (MANE Select); coding-DNA position 643, G replaced by A.
Protein change: p.Val215Ile; replaces valine 215 with isoleucine.
Molecular consequence: missense variant.
Genome position (GRCh38, 1-based): chr1:114,680,383, C>T on the plus strand (G>A on the coding strand, the complement: AMPD1 is on the minus strand). VCF-style: chr1-114680383-C-T. GRCh37 (hg19) VCF-style: chr1-115223004-C-T.
Other names: c.631G>A, p.Val211Ile (NM_001172626.2); short protein forms V215I, V211I.
Identifiers: ClinVar variation 1441688 (VCV001441688.6), dbSNP rs1165630426, ClinGen allele CA341750549.

ClinVar aggregate classification (germline): Uncertain significance (1 of 4 stars; one submission).

Conditions:
Muscle AMP deaminase deficiency (MMDD). Also called: AMPD1 DEFICIENCY; Myoadenylate deaminase deficiency, myopathy due to; Adenosine monophosphate deaminase 1 deficiency; AMP deaminase 1 deficiency; Adenosine Monophosphate Deaminase 1; ADENOSINE MONOPHOSPHATE DEAMINASE-1 DEFICIENCY, MYOPATHY DUE TO. Identifiers: Orphanet 45, MedGen C3714933, MONDO:0014220, OMIM 615511.

Allele frequency attached by ClinVar (database versions not stated): gnomAD exomes below 0.00001.
gnomAD v4.1: 1 of 1,614,214 alleles (0.000062%); highest among the groups gnomAD compares: Non-Finnish European, 0.000085%; no homozygotes.

Submission:

Labcorp Genetics (formerly Invitae), Labcorp
Classification: Uncertain significance for Muscle AMP deaminase deficiency. Last evaluated: 2022-07-19. Review status: criteria provided, single submitter. Criteria: Invitae Variant Classification Sherloc (09022015). Collection method: clinical testing. Allele origin: germline.
Comment: This sequence change replaces valine, which is neutral and non-polar, with isoleucine, which is neutral and non-polar, at codon 248 of the AMPD1 protein (p.Val248Ile). In summary, the available evidence is currently insufficient to determine the role of this variant in disease. Therefore, it has been classified as a Variant of Uncertain Significance. Algorithms developed to predict the effect of missense changes on protein structure and function output the following: SIFT: "Tolerated"; PolyPhen-2: "Benign"; Align-GVGD: "Class C0". The isoleucine amino acid residue is found in multiple mammalian species, which suggests that this missense change does not adversely affect protein function. ClinVar contains an entry for this variant (Variation ID: 1441688). This variant has not been reported in the literature in individuals affected with AMPD1-related conditions. This variant is not present in population databases (gnomAD no frequency).